The following is an entry in ClinVar:

NM_178857.6(RP1L1):c.3955G>A (p.Ala1319Thr)

Gene: RP1L1 (RP1 like 1). Cytogenetic location: 8p23.1.
Variant type: single nucleotide variant.
Coding change: c.3955G>A on transcript NM_178857.6 (MANE Select); coding-DNA position 3955, G replaced by A.
Protein change: p.Ala1319Thr; replaces alanine 1319 with threonine.
Molecular consequence: missense variant.
Genome position (GRCh38, 1-based): chr8:10,610,143, C>T on the plus strand (G>A on the coding strand, the complement: RP1L1 is on the minus strand). VCF-style: chr8-10610143-C-T. GRCh37 (hg19) VCF-style: chr8-10467653-C-T.
Other names: short protein forms A1319T.
Identifiers: ClinVar variation 361301 (VCV000361301.13), dbSNP rs73201156, ClinGen allele CA4624300.

ClinVar aggregate classification (germline): Benign/Likely benign. Review status: criteria provided, multiple submitters, no conflicts (2 of 4 stars). 5 submissions from 5 submitters: Benign (3); Likely benign (2). Last evaluated 2021-08-04.

Conditions:
Occult macular dystrophy (OCMD). Also called: OMD; OCCULT MACULAR DYSTROPHY, SUSCEPTIBILITY TO. Identifiers: Orphanet 247834, MedGen C3150833, MONDO:0013316, OMIM 613587, HP:0030636.
Retinitis pigmentosa 88. Identifiers: MedGen C5394208, MONDO:0032940, OMIM 618826.

Allele frequency attached by ClinVar (database versions not stated): 1000 Genomes Project 30x 0.00468; gnomAD 0.00515 and 0.00523; gnomAD exomes 0.01500; ExAC 0.05458.
gnomAD v4.1: 4,662 of 817,348 alleles (0.57%); highest among the groups gnomAD compares: African/African-American, 1.1%; 112 homozygotes.

Submissions (5):

Fulgent Genetics
Classification: Benign for Occult macular dystrophy; Retinitis pigmentosa 88. Last evaluated: 2021-08-04. Review status: criteria provided, single submitter. Criteria: ACMG Guidelines, 2015. Collection method: clinical testing. Allele origin: unknown.

GeneDx
Classification: Likely benign. Last evaluated: 2018-10-10. Review status: criteria provided, single submitter. Criteria: GeneDx Variant Classification Process June 2021. Collection method: clinical testing. Allele origin: germline. Affected: yes.

Illumina Laboratory Services, Illumina
Classification: Benign for Occult macular dystrophy. Last evaluated: 2018-01-13. Review status: criteria provided, single submitter. Criteria: ICSL Variant Classification Criteria 13 December 2019. Collection method: clinical testing. Allele origin: germline.
Comment: This variant was observed in the ICSL laboratory as part of a predisposition screen in an ostensibly healthy population. It had not been previously curated by ICSL or reported in the Human Gene Mutation Database (HGMD: prior to June 1st, 2018), and was therefore a candidate for classification through an automated scoring system. Utilizing variant allele frequency, disease prevalence and penetrance estimates, and inheritance mode, an automated score was calculated to assess if this variant is too frequent to cause the disease. Based on the score and internal cut-off values, a variant classified as benign is not then subjected to further curation. The score for this variant resulted in a classification of benign for this disease.

Laboratory for Molecular Medicine, Mass General Brigham Personalized Medicine
Classification: Benign. Last evaluated: 2016-03-29. Review status: criteria provided, single submitter. Criteria: LMM Criteria. Collection method: clinical testing. Allele origin: germline.
Comment: Variant identified in a genome or exome case(s) and assessed due to predicted null impact of the variant or pathogenic assertions in the literature or databases. Disclaimer: This variant has not undergone full assessment. The following are preliminary notes: Frequency (fails quality filter)

Breakthrough Genomics
Classification: Likely benign. Review status: criteria provided, single submitter. Criteria: ACMG Guidelines, 2015. Collection method: not provided. Allele origin: germline. Inheritance: Autosomal recessive inheritance. Affected: yes.